The following is an entry in ClinVar:

ClinVar aggregate classification (germline): Uncertain significance. Review status: criteria provided, multiple submitters, no conflicts (2 of 4 stars). 2 submissions from 2 submitters: Uncertain significance (2). Last evaluated 2025-09-07.

Conditions:
Intellectual developmental disorder, autosomal dominant 30, with speech delay and behavioral abnormalities. Also called: Intellectual disability, autosomal dominant 30. Identifiers: Orphanet 436151, MedGen C4015167, MONDO:0014486, OMIM 616083.

Allele frequency attached by ClinVar (database versions not stated): TOPMed below 0.00001; ExAC 0.00002.
gnomAD v4.1: 16 of 1,613,890 alleles (0.00099%); highest among the groups gnomAD compares: Non-Finnish European, 0.0013%; no homozygotes.

Submissions (2):

Labcorp Genetics (formerly Invitae), Labcorp
Classification: Uncertain significance. Last evaluated: 2025-09-07. Review status: criteria provided, single submitter. Criteria: Invitae Variant Classification Sherloc (09022015). Collection method: clinical testing. Allele origin: germline.
Comment: This sequence change replaces arginine, which is basic and polar, with glutamine, which is neutral and polar, at codon 358 of the ZMYND11 protein (p.Arg358Gln). This variant is present in population databases (rs769891647, gnomAD 0.003%). This variant has not been reported in the literature in individuals affected with ZMYND11-related conditions. ClinVar contains an entry for this variant (Variation ID: 3233320). Invitae Evidence Modeling of protein sequence and biophysical properties (such as structural, functional, and spatial information, amino acid conservation, physicochemical variation, residue mobility, and thermodynamic stability) indicates that this missense variant is not expected to disrupt ZMYND11 protein function with a negative predictive value of 80%. In summary, the available evidence is currently insufficient to determine the role of this variant in disease. Therefore, it has been classified as a Variant of Uncertain Significance.

Institute of Human Genetics, University Hospital of Duesseldorf
Classification: Uncertain significance for Intellectual developmental disorder, autosomal dominant 30, with speech delay and behavioral abnormalities. Review status: criteria provided, single submitter. Criteria: ACMG Guidelines, 2015. Collection method: not provided. Allele origin: germline. Inheritance: Autosomal dominant inheritance. Affected: yes.

NM_001370100.5(ZMYND11):c.1073G>A (p.Arg358Gln)

Gene: ZMYND11 (zinc finger MYND-type containing 11; plus strand). Cytogenetic location: 10p15.3.
Variant type: single nucleotide variant.
Coding change: c.1073G>A on transcript NM_001370100.5 (MANE Select); coding-DNA position 1073, G replaced by A.
Protein change: p.Arg358Gln; replaces arginine 358 with glutamine.
Molecular consequence: missense variant. On other transcripts: non-coding transcript variant (1).
Genome position (GRCh38, 1-based): chr10:246,888, G>A. VCF-style: chr10-246888-G-A. GRCh37 (hg19) VCF-style: chr10-292828-G-A.
Other names: c.818G>A, p.Arg273Gln (NM_001202465.3, NM_001370110.2); c.908G>A, p.Arg303Gln (NM_001202466.3, NM_001370111.2); c.911G>A, p.Arg304Gln (NM_001202467.1, NM_001370103.2, NM_001370104.2 and 6 more transcripts); c.1073G>A, p.Arg358Gln (NM_001202468.1, NM_001370097.3, NM_001370098.2 and 6 more transcripts); c.1022G>A, p.Arg341Gln (NM_001330057.3, NM_001370112.2); c.845G>A, p.Arg282Gln (NM_001370120.2); c.791G>A, p.Arg264Gln (NM_001370121.2); c.767G>A, p.Arg256Gln (NM_001370122.2); and 7 more; short protein forms R201Q, R239Q, R256Q, R264Q, R273Q, R282Q, R303Q, R304Q.
Identifiers: ClinVar variation 3233320 (VCV003233320.2), dbSNP rs769891647, ClinGen allele CA5379150.